The following is an entry in ClinVar:

NM_003970.4(MYOM2):c.3585C>T (p.His1195=)

Gene: MYOM2 (myomesin 2; plus strand). Cytogenetic location: 8p23.3.
Variant type: single nucleotide variant.
Coding change: c.3585C>T on transcript NM_003970.4 (MANE Select); coding-DNA position 3585, C replaced by T.
Protein change: p.His1195=; no amino-acid change (histidine 1195 retained).
Molecular consequence: synonymous variant.
Genome position (GRCh38, 1-based): chr8:2,123,572, C>T. VCF-style: chr8-2123572-C-T. GRCh37 (hg19) VCF-style: chr8-2071445-C-T.
Identifiers: ClinVar variation 3060613 (VCV003060613.2), dbSNP rs35244895, ClinGen allele CA170462672.

ClinVar aggregate classification (germline): Benign (0 of 4 stars; one submission).

Conditions:
MYOM2-related disorder. Also called: MYOM2-related condition.

Allele frequency attached by ClinVar (database versions not stated): 1000 Genomes Project 0.01997; 1000 Genomes Project 30x 0.02030; ExAC 0.02866; TOPMed 0.02933; gnomAD 0.02937; ESP Exome Variant Server 0.02952.
gnomAD v4.1: 52,635 of 1,611,272 alleles (3.3%); highest among the groups gnomAD compares: Middle Eastern, 4%; 973 homozygotes.

Submission:

PreventionGenetics, part of Exact Sciences
Classification: Benign for MYOM2-related condition. Last evaluated: 2019-02-22. Review status: no assertion criteria provided. Collection method: clinical testing. Allele origin: germline.
Comment: This variant is classified as benign based on ACMG/AMP sequence variant interpretation guidelines (Richards et al. 2015 PMID: 25741868, with internal and published modifications).